The following is an entry in ClinVar:

NM_001276345.2(TNNT2):c.-3A>G

Gene: TNNT2 (troponin T2, cardiac type; minus strand). Cytogenetic location: 1q32.1.
Variant type: single nucleotide variant.
Coding change: c.-3A>G on transcript NM_001276345.2 (MANE Select); 3 bases upstream of the start codon, A replaced by G.
Molecular consequence: 5 prime UTR variant.
Genome position (GRCh38, 1-based): chr1:201,373,257, T>C on the plus strand (A>G on the coding strand, the complement: TNNT2 is on the minus strand). VCF-style: chr1-201373257-T-C. GRCh37 (hg19) VCF-style: chr1-201342385-T-C.
Other names: c.-3A>G (NM_000364.4, NM_001001430.3, NM_001001431.3 and 3 more transcripts).
Identifiers: ClinVar variation 388720 (VCV000388720.8), dbSNP rs752977897, ClinGen allele CA089002.

ClinVar aggregate classification (germline): Conflicting classifications of pathogenicity. Review status: criteria provided, conflicting classifications (1 of 4 stars). 4 submissions from 4 submitters: Uncertain significance (3); Likely benign (1). Last evaluated 2025-06-24.

Conditions:
Cardiovascular phenotype. Identifiers: MedGen CN230736.
Cardiomyopathy (CMYO). Also called: Cardiomyopathies. Identifiers: Orphanet 167848, MedGen C0878544, MONDO:0004994, HP:0001638. Inheritance: Various modes of inheritance.

Allele frequency attached by ClinVar (database versions not stated): gnomAD exomes 0.00002 and 0.00003; TOPMed below 0.00001; ExAC 0.00001; gnomAD 0.00001.
gnomAD v4.1: 28 of 1,613,918 alleles (0.0017%); highest among the groups gnomAD compares: Admixed American, 0.0067%; no homozygotes.

Submissions (4):

Color Diagnostics, LLC DBA Color Health
Classification: Uncertain significance for Cardiomyopathy. Last evaluated: 2025-06-24. Review status: criteria provided, single submitter. Criteria: ACMG Guidelines, 2015. Collection method: clinical testing. Allele origin: germline.
Comment: This variant is located in the 5' untranslated region of the TNNT2 gene. To our knowledge, functional studies have not been reported for this variant. This variant has been reported in at least one individual affected with hypertrophic cardiomyopathy (PMID: 28840316, 33495597). This variant has been identified in 8/282816 chromosomes in the general population by the Genome Aggregation Database (gnomAD). The available evidence is insufficient to determine the role of this variant in disease conclusively. Therefore, this variant is classified as a Variant of Uncertain Significance.

GeneDx
Classification: Likely benign. Last evaluated: 2024-09-11. Review status: criteria provided, single submitter. Criteria: GeneDx Variant Classification Process June 2021. Collection method: clinical testing. Allele origin: germline. Affected: yes.
Comment: See Variant Classification Assertion Criteria.

All of Us Research Program, National Institutes of Health
Classification: Uncertain significance for Cardiomyopathy. Last evaluated: 2024-02-05. Review status: criteria provided, single submitter. Criteria: ACMG Guidelines, 2015. Collection method: clinical testing. Allele origin: germline. Inheritance: Autosomal dominant inheritance. Observed: 6 variant alleles, 6 heterozygotes.
Comment: This variant is located in the 5' untranslated region of the TNNT2 gene. To our knowledge, functional studies have not been reported for this variant. This variant has been reported in at least one individual affected with hypertrophic cardiomyopathy (PMID: 28840316, 33495597). This variant has been identified in 8/282816 chromosomes in the general population by the Genome Aggregation Database (gnomAD). The available evidence is insufficient to determine the role of this variant in disease conclusively. Therefore, this variant is classified as a Variant of Uncertain Significance.

This study involves interpretation of variants in research participants for the purpose of population health screening. Participant phenotype was not available at the time of variant classification. Additional details can be found in publication PMID: 35346344, PMCID: PMC8962531

Ambry Genetics
Classification: Uncertain significance for Cardiovascular phenotype. Last evaluated: 2023-06-22. Review status: criteria provided, single submitter. Criteria: Ambry Variant Classification Scheme 2023. Collection method: clinical testing. Allele origin: germline.
Comment: The c.-3A>G variant is located in the 5' untranslated region (5&rsquo; UTR) of the TNNT2 gene. This variant results from an A to G substitution 3 bases upstream from the first translated codon. This nucleotide position is not well conserved in available vertebrate species. Since supporting evidence is limited at this time, the clinical significance of this alteration remains unclear.

Literature cited by the submitters: PubMed 28840316 (cited by Color Diagnostics, LLC DBA Color Health and All of Us Research Program, National Institutes of Health); PubMed 33495597 (cited by Color Diagnostics, LLC DBA Color Health and All of Us Research Program, National Institutes of Health).